The following is an entry in ClinVar:

NM_004204.5(PIGQ):c.*515C>G

Gene: PIGQ (phosphatidylinositol glycan anchor biosynthesis class Q; plus strand). Cytogenetic location: 16p13.3.
Variant type: single nucleotide variant.
Coding change: c.*515C>G on transcript NM_004204.5 (MANE Select); 515 bases downstream of the stop codon, C replaced by G.
Molecular consequence: 3 prime UTR variant. On other transcripts: synonymous variant (1).
Genome position (GRCh38, 1-based): chr16:583,550, C>G. VCF-style: chr16-583550-C-G. GRCh37 (hg19) VCF-style: chr16-633550-C-G.
Other names: c.2199C>G (NM_148920.2); c.2199C>G, p.Thr733= (NM_148920.4).
Identifiers: ClinVar variation 1675591 (VCV001675591.36), dbSNP rs200778529, ClinGen allele CA7780639.

ClinVar aggregate classification (germline): Likely benign. Review status: criteria provided, multiple submitters, no conflicts (2 of 4 stars). 4 submissions from 4 submitters: Likely benign (3). 1 of the submissions does not count toward it. Last evaluated 2026-02-01.

Conditions:
PIGQ-related disorder. Also called: PIGQ-related condition.

Allele frequency attached by ClinVar (database versions not stated): ESP Exome Variant Server 0.00008; 1000 Genomes Project 0.00040; ExAC 0.00045; 1000 Genomes Project 30x 0.00047.
gnomAD v4.1: 421 of 1,612,484 alleles (0.026%); highest among the groups gnomAD compares: Middle Eastern, 0.84%; 1 homozygote.

Submissions (4):

CeGaT Center for Human Genetics Tuebingen
Classification: Likely benign. Last evaluated: 2026-02-01. Review status: criteria provided, single submitter. Criteria: CeGaT Center For Human Genetics Tuebingen Variant Classification Criteria Version 2. Collection method: clinical testing. Allele origin: germline. Affected: yes. Observed: 6 variant alleles.
Comment: PIGQ: BP4, BP7

Blueprint Genetics
Classification: Likely benign. Last evaluated: 2024-11-20. Review status: criteria provided, single submitter. Criteria: ACMG Guidelines, 2015. Collection method: clinical testing. Allele origin: germline.

Breakthrough Genomics
Classification: Likely benign. Review status: criteria provided, single submitter. Criteria: ACMG Guidelines, 2015. Collection method: not provided. Allele origin: germline. Inheritance: Autosomal recessive inheritance. Affected: yes.

PreventionGenetics, part of Exact Sciences
Classification: Likely benign for PIGQ-related condition. Last evaluated: 2019-07-31. Review status: no assertion criteria provided. Collection method: clinical testing. Allele origin: germline. Not counted in ClinVar's aggregate classification.
Comment: This variant is classified as likely benign based on ACMG/AMP sequence variant interpretation guidelines (Richards et al. 2015 PMID: 25741868, with internal and published modifications).